The following is an entry in ClinVar:

NM_004380.3(CREBBP):c.3251-2679C>T

Gene: CREBBP (CREB binding lysine acetyltransferase; minus strand). Cytogenetic location: 16p13.3.
Variant type: single nucleotide variant.
Coding change: c.3251-2679C>T on transcript NM_004380.3 (MANE Select); 2679 bases into the intron before coding-DNA position 3251, C replaced by T.
Molecular consequence: intron variant.
Genome position (GRCh38, 1-based): chr16:3,761,651, G>A on the plus strand (C>T on the coding strand, the complement: CREBBP is on the minus strand). VCF-style: chr16-3761651-G-A. GRCh37 (hg19) VCF-style: chr16-3811652-G-A.
Other names: c.3137-2679C>T (NM_001079846.1).
Identifiers: ClinVar variation 4280866 (VCV004280866.7).

ClinVar aggregate classification (germline): Benign (1 of 4 stars; one submission).

gnomAD v4.1: 513 of 504,194 alleles (0.1%); highest among the groups gnomAD compares: Admixed American, 0.81%; 4 homozygotes.

Submission:

CeGaT Center for Human Genetics Tuebingen
Classification: Benign. Last evaluated: 2026-09-01. Review status: criteria provided, single submitter. Criteria: CeGaT Center For Human Genetics Tuebingen Variant Classification Criteria Version 2. Collection method: clinical testing. Allele origin: germline. Affected: yes. Observed: 13 variant alleles.
Comment: CREBBP: BS1, BS2